The following is an entry in ClinVar:

ClinVar aggregate classification (germline): Conflicting classifications of pathogenicity. Review status: criteria provided, conflicting classifications (1 of 4 stars). 3 submissions from 3 submitters: Uncertain significance (2); Likely benign (1). Last evaluated 2026-08-17.

Conditions:
Autosomal dominant epilepsy with auditory features. Identifiers: Orphanet 101046, MedGen C1838062, MONDO:0010898.
Epilepsy, familial temporal lobe, 1. Identifiers: Orphanet 101046, MedGen CN030884, MONDO:0700090, OMIM 600512.
Inborn genetic diseases. Identifiers: MedGen C0950123, MeSH D030342.

Allele frequency attached by ClinVar (database versions not stated): gnomAD 0.00009 and 0.00010; ESP Exome Variant Server 0.00008; ExAC 0.00005; gnomAD exomes 0.00006.
gnomAD v4.1: 190 of 1,614,036 alleles (0.012%); highest among the groups gnomAD compares: Non-Finnish European, 0.013%; no homozygotes.

Submissions (3):

Ambry Genetics
Classification: Likely benign for Inborn genetic diseases. Last evaluated: 2026-08-17. Review status: criteria provided, single submitter. Criteria: Ambry Variant Classification Scheme 2023. Collection method: clinical testing. Allele origin: germline.

Labcorp Genetics (formerly Invitae), Labcorp
Classification: Uncertain significance for Autosomal dominant epilepsy with auditory features. Last evaluated: 2025-09-15. Review status: criteria provided, single submitter. Criteria: Invitae Variant Classification Sherloc (09022015). Collection method: clinical testing. Allele origin: germline.
Comment: This sequence change replaces serine, which is neutral and polar, with phenylalanine, which is neutral and non-polar, at codon 369 of the LGI1 protein (p.Ser369Phe). This variant is present in population databases (rs150357603, gnomAD 0.02%). This variant has not been reported in the literature in individuals affected with LGI1-related conditions. ClinVar contains an entry for this variant (Variation ID: 841153). Invitae Evidence Modeling of protein sequence and biophysical properties (such as structural, functional, and spatial information, amino acid conservation, physicochemical variation, residue mobility, and thermodynamic stability) indicates that this missense variant is not expected to disrupt LGI1 protein function with a negative predictive value of 80%. In summary, the available evidence is currently insufficient to determine the role of this variant in disease. Therefore, it has been classified as a Variant of Uncertain Significance.

Illumina Laboratory Services, Illumina
Classification: Uncertain significance for Epilepsy, familial temporal lobe, 1. Last evaluated: 2018-01-13. Review status: criteria provided, single submitter. Criteria: ICSL Variant Classification Criteria 13 December 2019. Collection method: clinical testing. Allele origin: germline.

NM_005097.4(LGI1):c.1106C>T (p.Ser369Phe)

Gene: LGI1 (leucine rich glioma inactivated 1; plus strand). Cytogenetic location: 10q23.33.
Variant type: single nucleotide variant.
Coding change: c.1106C>T on transcript NM_005097.4 (MANE Select); coding-DNA position 1106, C replaced by T.
Protein change: p.Ser369Phe; replaces serine 369 with phenylalanine.
Molecular consequence: missense variant. On other transcripts: non-coding transcript variant (1), intron variant (1).
Genome position (GRCh38, 1-based): chr10:93,797,235, C>T. VCF-style: chr10-93797235-C-T. GRCh37 (hg19) VCF-style: chr10-95556992-C-T.
Other names: c.962C>T, p.Ser321Phe (NM_001308276.2); c.839-514C>T (NM_001308275.2); short protein forms S369F, S321F.
Identifiers: ClinVar variation 841153 (VCV000841153.14), dbSNP rs150357603, ClinGen allele CA5611225.